The following is an entry in ClinVar:

ClinVar aggregate classification (germline): Uncertain significance. Review status: criteria provided, multiple submitters, no conflicts (2 of 4 stars). 3 submissions from 3 submitters: Uncertain significance (3). Last evaluated 2024-10-03.

Conditions:
Hereditary cancer-predisposing syndrome. Also called: Hereditary Cancer Syndrome; Hereditary neoplastic syndrome; Neoplastic Syndromes, Hereditary; Tumor predisposition. Identifiers: Orphanet 140162, MedGen C0027672, MeSH D009386, MONDO:0015356.

Submissions (3):

Blueprint Genetics
Classification: Uncertain significance. Last evaluated: 2024-10-03. Review status: criteria provided, single submitter. Criteria: ACMG Guidelines, 2015. Collection method: clinical testing. Allele origin: germline.

Labcorp Genetics (formerly Invitae), Labcorp
Classification: Uncertain significance. Last evaluated: 2022-06-28. Review status: criteria provided, single submitter. Criteria: Invitae Variant Classification Sherloc (09022015). Collection method: clinical testing. Allele origin: germline.
Comment: This sequence change replaces glutamic acid, which is acidic and polar, with lysine, which is basic and polar, at codon 445 of the CTNNA1 protein (p.Glu445Lys). This variant is not present in population databases (gnomAD no frequency). This variant has not been reported in the literature in individuals affected with CTNNA1-related conditions. Algorithms developed to predict the effect of missense changes on protein structure and function are either unavailable or do not agree on the potential impact of this missense change (SIFT: "Deleterious"; PolyPhen-2: "Benign"; Align-GVGD: "Class C0"). In summary, the available evidence is currently insufficient to determine the role of this variant in disease. Therefore, it has been classified as a Variant of Uncertain Significance.

Ambry Genetics
Classification: Uncertain significance for Hereditary cancer-predisposing syndrome. Last evaluated: 2021-12-13. Review status: criteria provided, single submitter. Criteria: Ambry Variant Classification Scheme 2023. Collection method: clinical testing. Allele origin: germline.
Comment: The p.E445K variant (also known as c.1333G>A), located in coding exon 9 of the CTNNA1 gene, results from a G to A substitution at nucleotide position 1333. The glutamic acid at codon 445 is replaced by lysine, an amino acid with similar properties. This amino acid position is conserved. In addition, this alteration is predicted to be deleterious by in silico analysis. Since supporting evidence is limited at this time, the clinical significance of this alteration remains unclear.

NM_001903.5(CTNNA1):c.1333G>A (p.Glu445Lys)

Gene: CTNNA1 (catenin alpha 1; plus strand). Cytogenetic location: 5q31.2.
Variant type: single nucleotide variant.
Coding change: c.1333G>A on transcript NM_001903.5 (MANE Select); coding-DNA position 1333, G replaced by A.
Protein change: p.Glu445Lys; replaces glutamic acid 445 with lysine.
Molecular consequence: missense variant. On other transcripts: 5 prime UTR variant (6), intron variant (3).
Genome position (GRCh38, 1-based): chr5:138,904,385, G>A. VCF-style: chr5-138904385-G-A. GRCh37 (hg19) VCF-style: chr5-138240074-G-A.
Other names: c.1333G>A, p.Glu445Lys (NM_001290307.3, NM_001323982.2, NM_001323983.1 and 2 more transcripts); c.1024G>A, p.Glu342Lys (NM_001290309.3); c.964G>A, p.Glu322Lys (NM_001290310.3); c.223G>A, p.Glu75Lys (NM_001290312.1, NM_001323987.1, NM_001323988.1 and 17 more transcripts); c.-175G>A (NM_001324006.1, NM_001324007.1, NM_001324008.1 and 1 more transcripts); c.-21G>A (NM_001324012.1, NM_001324013.1); c.1297-13357G>A (NM_001323986.2); c.187-13357G>A (NM_001324011.1); and 1 more; short protein forms E322K, E445K, E75K, E342K.
Identifiers: ClinVar variation 1770198 (VCV001770198.8), dbSNP rs2533352968, ClinGen allele CA361135937.
Genomic context (GRCh38, chr5:138,904,385, plus strand): 5'-AAAGATTATTTTTTATGTTTATAGGTTGCCAACTTGGCCTGTTCCATCTCAAATAATGAA[G>A]AAGGTGTAAAGCTTGTTCGAATGTCTGCAAGCCAGTTAGAAGCCCTCTGTCCTCAGGTAA-3'
Protein context (NP_001894.2, residues 435-455): NLACSISNNE[Glu445Lys]GVKLVRMSAS